The following is an entry in ClinVar:

NM_000038.6(APC):c.184T>C (p.Ser62Pro)

Gene: APC (APC regulator of Wnt signaling pathway; plus strand). Cytogenetic location: 5q22.2.
Variant type: single nucleotide variant.
Coding change: c.184T>C on transcript NM_000038.6 (MANE Select); coding-DNA position 184, T replaced by C.
Protein change: p.Ser62Pro; replaces serine 62 with proline.
Molecular consequence: missense variant. On other transcripts: 5 prime UTR variant (1).
Genome position (GRCh38, 1-based): chr5:112,766,374, T>C. VCF-style: chr5-112766374-T-C. GRCh37 (hg19) VCF-style: chr5-112102071-T-C.
Other names: c.184T>C, p.Ser62Pro (NM_001127510.3, NM_001354895.2, NM_001354896.2 and 2 more transcripts); c.214T>C, p.Ser72Pro (NM_001127511.3, NM_001354897.2, NM_001354902.2); c.109T>C, p.Ser37Pro (NM_001354898.2, NM_001354904.2); c.7T>C, p.Ser3Pro (NM_001354900.2, NM_001354901.2, NM_001354905.2); c.-852T>C (NM_001354906.2); c.184T>C (NM_000038.5); short protein forms S37P, S72P, S3P, S62P.
Identifiers: ClinVar variation 1430008 (VCV001430008.9), dbSNP rs1581160378, ClinGen allele CA16021750.
Genomic context (GRCh38, chr5:112,766,374, plus strand): 5'-TCTTTTTAACAGGAAGTACTTAAACAACTACAAGGAAGTATTGAAGATGAAGCTATGGCT[T>C]CTTCTGGACAGATTGATTTATTAGAGCGTCTTAAAGGTAGATTTTAAAAAGGTGTTTTAA-3'
Protein context (NP_000029.2, residues 52-72): QGSIEDEAMA[Ser62Pro]SGQIDLLERL

ClinVar aggregate classification (germline): Uncertain significance. Review status: criteria provided, multiple submitters, no conflicts (2 of 4 stars). 2 submissions from 2 submitters: Uncertain significance (2). Last evaluated 2024-11-18.

Conditions:
Hereditary cancer-predisposing syndrome. Also called: Hereditary Cancer Syndrome; Hereditary neoplastic syndrome; Neoplastic Syndromes, Hereditary; Tumor predisposition. Identifiers: Orphanet 140162, MedGen C0027672, MeSH D009386, MONDO:0015356.
Familial adenomatous polyposis 1 (FAP1). Also called: POLYPOSIS, ADENOMATOUS INTESTINAL; FAMILIAL ADENOMATOUS POLYPOSIS 1, ATTENUATED. Identifiers: MedGen C2713442, MONDO:0021056, OMIM 175100. Disease mechanism: loss of function.

Submissions (2):

Ambry Genetics
Classification: Uncertain significance for Hereditary cancer-predisposing syndrome. Last evaluated: 2024-11-18. Review status: criteria provided, single submitter. Criteria: Ambry Variant Classification Scheme 2023. Collection method: clinical testing. Allele origin: germline.
Comment: The p.S62P variant (also known as c.184T>C), located in coding exon 2 of the APC gene, results from a T to C substitution at nucleotide position 184. The serine at codon 62 is replaced by proline, an amino acid with similar properties. This amino acid position is well conserved in available vertebrate species. Missense alterations in APC are not a common cause of disease (Spier I et al. Genet Med. 2024 Feb;26(2):100992). In addition, in silico predictors for this gene do not accurately predict pathogenicity. Based on the available evidence, the clinical significance of this variant remains unclear.

Labcorp Genetics (formerly Invitae), Labcorp
Classification: Uncertain significance for Familial adenomatous polyposis 1. Last evaluated: 2024-02-17. Review status: criteria provided, single submitter. Criteria: Invitae Variant Classification Sherloc (09022015). Collection method: clinical testing. Allele origin: germline.
Comment: This sequence change replaces serine, which is neutral and polar, with proline, which is neutral and non-polar, at codon 62 of the APC protein (p.Ser62Pro). This variant is not present in population databases (gnomAD no frequency). This variant has not been reported in the literature in individuals affected with APC-related conditions. ClinVar contains an entry for this variant (Variation ID: 1430008). Advanced modeling of protein sequence and biophysical properties (such as structural, functional, and spatial information, amino acid conservation, physicochemical variation, residue mobility, and thermodynamic stability) performed at Invitae indicates that this missense variant is not expected to disrupt APC protein function with a negative predictive value of 95%. In summary, the available evidence is currently insufficient to determine the role of this variant in disease. Therefore, it has been classified as a Variant of Uncertain Significance.